The following is an entry in ClinVar:

NM_016529.6(ATP8A2):c.781C>T (p.Leu261Phe)

Gene: ATP8A2 (ATPase phospholipid transporting 8A2). Cytogenetic location: 13q12.13.
Variant type: single nucleotide variant.
Coding change: c.781C>T on transcript NM_016529.6 (MANE Select); coding-DNA position 781, C replaced by T.
Protein change: p.Leu261Phe; replaces leucine 261 with phenylalanine.
Molecular consequence: missense variant.
Genome position (GRCh38, 1-based): chr13:25,543,292, C>T. VCF-style: chr13-25543292-C-T. GRCh37 (hg19) VCF-style: chr13-26117430-C-T.
Other names: c.661C>T, p.Leu221Phe (NM_001313741.1); c.781C>T, p.Leu261Phe (NM_001411005.1, NM_001411006.1); short protein forms L221F, L261F.
Identifiers: ClinVar variation 2061538 (VCV002061538.4), dbSNP rs1261608142, ClinGen allele CA387612360.

ClinVar aggregate classification (germline): Uncertain significance (1 of 4 stars; one submission).

Submission:

Labcorp Genetics (formerly Invitae), Labcorp
Classification: Uncertain significance. Last evaluated: 2022-08-31. Review status: criteria provided, single submitter. Criteria: Invitae Variant Classification Sherloc (09022015). Collection method: clinical testing. Allele origin: germline.
Comment: Algorithms developed to predict the effect of missense changes on protein structure and function (SIFT, PolyPhen-2, Align-GVGD) all suggest that this variant is likely to be tolerated. In summary, the available evidence is currently insufficient to determine the role of this variant in disease. Therefore, it has been classified as a Variant of Uncertain Significance. This variant has not been reported in the literature in individuals affected with ATP8A2-related conditions. This variant is not present in population databases (gnomAD no frequency). This sequence change replaces leucine, which is neutral and non-polar, with phenylalanine, which is neutral and non-polar, at codon 261 of the ATP8A2 protein (p.Leu261Phe).